The following is an entry in ClinVar:

ClinVar aggregate classification (germline): Pathogenic (1 of 4 stars; one submission).

Conditions:
Neurodevelopmental disorder with hypotonia, stereotypic hand movements, and impaired language. Also called: Intellectual disability, autosomal dominant 20. Identifiers: Orphanet 228384, Orphanet 664410, MedGen C3150700, MONDO:0013266, OMIM 613443.

Submission:

Labcorp Genetics (formerly Invitae), Labcorp
Classification: Pathogenic for Mental retardation, stereotypic movements, epilepsy, and/or cerebral malformations. Last evaluated: 2019-12-11. Review status: criteria provided, single submitter. Criteria: Invitae Variant Classification Sherloc (09022015). Collection method: clinical testing. Allele origin: germline.
Comment: This sequence change creates a premature translational stop signal (p.Leu330Cysfs*18) in the MEF2C gene. It is expected to result in an absent or disrupted protein product. This variant is not present in population databases (ExAC no frequency). This variant has not been reported in the literature in individuals with MEF2C-related conditions. Loss-of-function variants in MEF2C are known to be pathogenic (PMID: 20513142). For these reasons, this variant has been classified as Pathogenic.

NM_002397.5(MEF2C):c.988del (p.Leu330fs)

Gene: MEF2C (myocyte enhancer factor 2C; minus strand). Cytogenetic location: 5q14.3.
Variant type: Deletion.
Coding change: c.988del on transcript NM_002397.5 (MANE Select); coding-DNA position 988, one base deleted (C; older notation c.988delC).
Protein change: p.Leu330fs; shifts the reading frame from leucine 330.
Molecular consequence: frameshift variant.
Genome position (GRCh38, 1-based): chr5:88,728,605, G deleted on the plus strand (C on the coding strand, the reverse complement: MEF2C is on the minus strand); the first of 2 consecutive G bases (chr5:88,728,605-88,728,606); deleting either gives the same sequence. VCF-style (leftmost placement, unchanged base first): chr5-88728604-AG-A. GRCh37 (hg19) VCF-style: chr5-88024421-AG-A.
Other names: c.958del, p.Leu320fs (NM_001131005.2, NM_001364343.2, NM_001364352.2); c.1018del, p.Leu340fs (NM_001193347.1, NM_001364338.2); c.820del, p.Leu274fs (NM_001193348.1); c.844del, p.Leu282fs (NM_001193349.3, NM_001364332.2, NM_001364344.2 and 2 more transcripts); c.988del, p.Leu330fs (NM_001193350.2, NM_001363581.2, NM_001364329.2 and 9 more transcripts); c.964del, p.Leu322fs (NM_001308002.3, NM_001364333.2, NM_001364339.2 and 6 more transcripts); c.610del, p.Leu204fs (NM_001364353.2, NM_001364356.2); c.538del, p.Leu180fs (NM_001364357.2); short protein forms L180fs, L322fs, L340fs, L274fs, L282fs, L204fs, L320fs, L330fs.
Identifiers: ClinVar variation 854734 (VCV000854734.1), dbSNP rs1759964009, ClinGen allele CA916082737.
Genomic context (GRCh38, chr5:88,728,604, plus strand): 5'-CAGCCAGTTACTGAACCAAGGTGAAGAGCGCTGGCGGTGTTAAACCCAGACAGAGATGAC[AG>A]GTCTGCACTACTCAGAGAGTACTCTAGATTAAAGAATAAAACAACAAGGGAAAATATTAA-3'